The following is an entry in ClinVar:

NM_053025.4(MYLK):c.2777G>A (p.Arg926His)

Gene: MYLK (myosin light chain kinase; minus strand). Cytogenetic location: 3q21.1.
Variant type: single nucleotide variant.
Coding change: c.2777G>A on transcript NM_053025.4 (MANE Select); coding-DNA position 2777, G replaced by A.
Protein change: p.Arg926His; replaces arginine 926 with histidine.
Molecular consequence: missense variant.
Genome position (GRCh38, 1-based): chr3:123,700,691, C>T on the plus strand (G>A on the coding strand, the complement: MYLK is on the minus strand). VCF-style: chr3-123700691-C-T. GRCh37 (hg19) VCF-style: chr3-123419538-C-T.
Other names: c.2249G>A, p.Arg750His (NM_001321309.2); c.2570G>A, p.Arg857His (NM_053026.4, NM_053028.4); c.2777G>A, p.Arg926His (NM_053027.4); short protein forms R926H, R750H, R857H.
Identifiers: ClinVar variation 568352 (VCV000568352.13), dbSNP rs756465340, ClinGen allele CA069013.

ClinVar aggregate classification (germline): Uncertain significance. Review status: criteria provided, multiple submitters, no conflicts (2 of 4 stars). 4 submissions from 4 submitters: Uncertain significance (3). 1 of the submissions does not count toward it. Last evaluated 2025-12-31.

Conditions:
Familial thoracic aortic aneurysm and aortic dissection (TAAD). Also called: Thoracic aortic aneurysms and dissections. Identifiers: Orphanet 91387, MedGen C4707243, MONDO:0019625.
MYLK-related disorder. Also called: MYLK-related condition.
Aortic aneurysm, familial thoracic 7 (AAT7). Also called: AORTIC DISSECTION, FAMILIAL, WITH OR WITHOUT AORTIC ANEURYSM. Identifiers: MedGen C3151077, MONDO:0013418, OMIM 613780.

Allele frequency attached by ClinVar (database versions not stated): ExAC 0.00004; TOPMed 0.00006; gnomAD 0.00007 and 0.00008.
gnomAD v4.1: 37 of 1,614,036 alleles (0.0023%); highest among the groups gnomAD compares: African/African-American, 0.019%; 1 homozygote.

Submissions (4):

Labcorp Genetics (formerly Invitae), Labcorp
Classification: Uncertain significance for Aortic aneurysm, familial thoracic 7. Last evaluated: 2025-12-31. Review status: criteria provided, single submitter. Criteria: Invitae Variant Classification Sherloc (09022015). Collection method: clinical testing. Allele origin: germline.
Comment: This sequence change replaces arginine, which is basic and polar, with histidine, which is basic and polar, at codon 926 of the MYLK protein (p.Arg926His). This variant is present in population databases (rs756465340, gnomAD 0.02%). This missense change has been observed in individual(s) with thoracic aortic dilation/dissection (PMID: 25944730). ClinVar contains an entry for this variant (Variation ID: 568352). Invitae Evidence Modeling of protein sequence and biophysical properties (such as structural, functional, and spatial information, amino acid conservation, physicochemical variation, residue mobility, and thermodynamic stability) indicates that this missense variant is not expected to disrupt MYLK protein function with a negative predictive value of 80%. In summary, the available evidence is currently insufficient to determine the role of this variant in disease. Therefore, it has been classified as a Variant of Uncertain Significance.

Ambry Genetics
Classification: Uncertain significance for Familial thoracic aortic aneurysm and aortic dissection. Last evaluated: 2025-09-05. Review status: criteria provided, single submitter. Criteria: Ambry Variant Classification Scheme 2023. Collection method: clinical testing. Allele origin: germline.
Comment: The p.R926H variant (also known as c.2777G>A), located in coding exon 15 of the MYLK gene, results from a G to A substitution at nucleotide position 2777. The arginine at codon 926 is replaced by histidine, an amino acid with highly similar properties. This variant was reported in individual(s) with thoracic aortic aneurysm and dissection (Wooderchak-Donahue W et al. Am J Med Genet A, 2015 Aug;167A:1747-57). This amino acid position is highly conserved in available vertebrate species. In addition, the in silico prediction for this alteration is inconclusive. Based on the available evidence, the clinical significance of this variant remains unclear.

GeneDx
Classification: Uncertain significance. Last evaluated: 2023-10-11. Review status: criteria provided, single submitter. Criteria: GeneDx Variant Classification Process June 2021. Collection method: clinical testing. Allele origin: germline. Affected: yes.
Comment: In silico analysis supports that this missense variant does not alter protein structure/function; This variant is associated with the following publications: (PMID: 25944730)

PreventionGenetics, part of Exact Sciences
Classification: Uncertain significance for MYLK-related condition. Last evaluated: 2024-02-20. Review status: no assertion criteria provided. Collection method: clinical testing. Allele origin: germline. Not counted in ClinVar's aggregate classification.
Comment: The MYLK c.2777G>A variant is predicted to result in the amino acid substitution p.Arg926His. This variant was reported as a variant of uncertain significance in an individual with thoracic aortic aneurysms and dissections (Wooderchak-Donahue et al. 2015. PubMed ID: 25944730). This variant is reported in 0.020% of alleles in individuals of African descent in gnomAD. At this time, the clinical significance of this variant is uncertain due to the absence of conclusive functional and genetic evidence.

Literature cited by the submitters: PubMed 25944730 (cited by Labcorp Genetics (formerly Invitae), Labcorp and Ambry Genetics).